The following is an entry in ClinVar:

ClinVar aggregate classification (germline): Pathogenic (1 of 4 stars; one submission).

Submission:

Labcorp Genetics (formerly Invitae), Labcorp
Classification: Pathogenic. Last evaluated: 2022-12-20. Review status: criteria provided, single submitter. Criteria: Invitae Variant Classification Sherloc (09022015). Collection method: clinical testing. Allele origin: unknown.
Comment: This variant is a gross deletion of the genomic region encompassing exon(s) 1-2 of the PHEX gene, which includes the initiator codon. This deletion extends beyond the assayed region for this gene and therefore may encompass additional genes. It is expected to result in an absent or disrupted protein product. Loss-of-function variants in PHEX are known to be pathogenic (PMID: 9097956, 9106524, 19219621). A similar copy number variant has been observed in individual(s) with hypophosphatemic rickets (Invitae). For these reasons, this variant has been classified as Pathogenic.

Literature cited by the submitters: PubMed 9097956; PubMed 9106524; PubMed 19219621.

NC_000023.10:g.(?_22050695)_(22056675_?)del

Gene: PHEX (phosphate regulating endopeptidase X-linked; plus strand). Cytogenetic location: Xp22.11.
Variant type: Deletion.
Identifiers: ClinVar variation 3245956 (VCV003245956.1).